The following is an entry in ClinVar:

NM_000548.5(TSC2):c.4493+1G>A

Gene: TSC2 (TSC complex subunit 2; plus strand). Cytogenetic location: 16p13.3.
Variant type: single nucleotide variant.
Coding change: c.4493+1G>A on transcript NM_000548.5 (MANE Select); the canonical splice donor site of the intron after coding-DNA position 4493, G replaced by A.
Molecular consequence: splice donor variant.
Genome position (GRCh38, 1-based): chr16:2,084,716, G>A. VCF-style: chr16-2084716-G-A. GRCh37 (hg19) VCF-style: chr16-2134717-G-A.
Other names: c.2951+1G>A (NM_001406693.1, NM_001406692.1, NM_001406694.1); c.4385+1G>A (NM_001406667.1); c.4382+1G>A (NM_001406668.1); c.3893+1G>A (NM_001406680.1); c.3824+1G>A (NM_001406683.1, NM_001406682.1); c.3692+1G>A (NM_001406687.1, NM_001406688.1); c.3080+1G>A (NM_001406689.1); c.3020+1G>A (NM_001406690.1); and 26 more.
Identifiers: ClinVar variation 373118 (VCV000373118.13), dbSNP rs1057518230, ClinGen allele CA16042990.

ClinVar aggregate classification (germline): Pathogenic. Review status: criteria provided, multiple submitters, no conflicts (2 of 4 stars). 5 submissions from 5 submitters: Pathogenic (5). Last evaluated 2026-01-01.

Conditions:
Tuberous sclerosis 2 (TSC2). Identifiers: Orphanet 805, MedGen C1860707, MONDO:0013199, OMIM 613254.

Submissions (5):

CeGaT Center for Human Genetics Tuebingen
Classification: Pathogenic. Last evaluated: 2026-01-01. Review status: criteria provided, single submitter. Criteria: CeGaT Center For Human Genetics Tuebingen Variant Classification Criteria Version 2. Collection method: clinical testing. Allele origin: germline. Affected: yes. Observed: 1 variant allele.
Comment: TSC2: PVS1, PM2, PP4:Moderate, PS4:Moderate

Labcorp Genetics (formerly Invitae), Labcorp
Classification: Pathogenic for Tuberous sclerosis 2. Last evaluated: 2024-10-30. Review status: criteria provided, single submitter. Criteria: Invitae Variant Classification Sherloc (09022015). Collection method: clinical testing. Allele origin: germline.
Comment: This sequence change affects a donor splice site in intron 34 of the TSC2 gene. It is expected to disrupt RNA splicing. Variants that disrupt the donor or acceptor splice site typically lead to a loss of protein function (PMID: 16199547), and loss-of-function variants in TSC2 are known to be pathogenic (PMID: 10205261, 17304050). This variant is not present in population databases (gnomAD no frequency). Disruption of this splice site has been observed in individual(s) with tuberous sclerosis complex (PMID: 25782670). ClinVar contains an entry for this variant (Variation ID: 373118). Algorithms developed to predict the effect of sequence changes on RNA splicing suggest that this variant may disrupt the consensus splice site. For these reasons, this variant has been classified as Pathogenic.

GeneDx
Classification: Pathogenic. Last evaluated: 2024-02-26. Review status: criteria provided, single submitter. Criteria: GeneDx Variant Classification Process June 2021. Collection method: clinical testing. Allele origin: germline. Affected: yes.
Comment: Canonical splice site variant predicted to result in a null allele in a gene for which loss of function is a known mechanism of disease; Not observed at significant frequency in large population cohorts (gnomAD); This variant is associated with the following publications: (PMID: Lee2020[Abstract], 27494029, 35918040, 34327338, 25782670)

Genome-Nilou Lab
Classification: Pathogenic for Tuberous sclerosis 2. Last evaluated: 2021-11-07. Review status: criteria provided, single submitter. Criteria: ACMG Guidelines, 2015. Collection method: clinical testing. Allele origin: germline. Affected: no.

Center for Pediatric Genomic Medicine, Children's Mercy Hospital and Clinics
Classification: Pathogenic. Last evaluated: 2016-07-15. Review status: criteria provided, single submitter. Criteria: ACMG Guidelines, 2015. Collection method: clinical testing. Allele origin: germline.

Literature cited by the submitters: PubMed 16199547 (cited by Labcorp Genetics (formerly Invitae), Labcorp); PubMed 10205261 (cited by Labcorp Genetics (formerly Invitae), Labcorp); PubMed 17304050 (cited by Labcorp Genetics (formerly Invitae), Labcorp); PubMed 25782670 (cited by Labcorp Genetics (formerly Invitae), Labcorp).